The following is an entry in ClinVar:

NM_001165963.4(SCN1A):c.1234T>C (p.Phe412Leu)

Gene: SCN1A (sodium voltage-gated channel alpha subunit 1; minus strand). Cytogenetic location: 2q24.3.
Variant type: single nucleotide variant.
Coding change: c.1234T>C on transcript NM_001165963.4 (MANE Select); coding-DNA position 1234, T replaced by C.
Protein change: p.Phe412Leu; replaces phenylalanine 412 with leucine.
Molecular consequence: missense variant. On other transcripts: 5 prime UTR variant (1), non-coding transcript variant (1).
Genome position (GRCh38, 1-based): chr2:166,046,913, A>G on the plus strand (T>C on the coding strand, the complement: SCN1A is on the minus strand). VCF-style: chr2-166046913-A-G. GRCh37 (hg19) VCF-style: chr2-166903423-A-G.
Other names: c.1234T>C, p.Phe412Leu (NM_001165964.3, NM_001202435.3, NM_001353948.2 and 10 more transcripts); c.-1192T>C (NM_001353961.2); c.1234T>C (NM_001165963.1); short protein forms F412L.
Identifiers: ClinVar variation 2834332 (VCV002834332.4), dbSNP rs2468181816, ClinGen allele CA349070921.

ClinVar aggregate classification (germline): Likely pathogenic. Review status: criteria provided, multiple submitters, no conflicts (2 of 4 stars). 2 submissions from 2 submitters: Likely pathogenic (2). Last evaluated 2024-07-23.

Conditions:
Early-infantile DEE. Also called: Early infantile epileptic encephalopathy; Early infantile epileptic encephalopathy with suppression bursts; Ohtahara syndrome. Identifiers: Orphanet 1934, MedGen C0393706, MONDO:0800491.
Epilepsy. Also called: Seizure disorder. Identifiers: MedGen C0014544, MeSH D004827, MONDO:0005027.

Submissions (2):

Centre for Inherited Metabolic Diseases, Karolinska University Hospital
Classification: Likely pathogenic for epilepsy. Last evaluated: 2024-07-23. Review status: criteria provided, single submitter. Criteria: ACMG Guidelines, 2015. Collection method: clinical testing. Allele origin: de novo. Inheritance: Autosomal dominant inheritance. Affected: yes. Observed: 1 heterozygote.
Comment: The variant is confirmed de novo (PS2). The variant is similar to a known pathogenic variant (PM5, Ibrahimi et al. 2010, PMID: 20682179). The variant is predicted pathogenic (PP3).

Labcorp Genetics (formerly Invitae), Labcorp
Classification: Likely pathogenic for Early-infantile DEE. Last evaluated: 2023-02-03. Review status: criteria provided, single submitter. Criteria: Invitae Variant Classification Sherloc (09022015). Collection method: clinical testing. Allele origin: germline.
Comment: This variant has not been reported in the literature in individuals affected with SCN1A-related conditions. This variant is not present in population databases (gnomAD no frequency). This sequence change replaces phenylalanine, which is neutral and non-polar, with leucine, which is neutral and non-polar, at codon 412 of the SCN1A protein (p.Phe412Leu). Advanced modeling of protein sequence and biophysical properties (such as structural, functional, and spatial information, amino acid conservation, physicochemical variation, residue mobility, and thermodynamic stability) performed at Invitae indicates that this missense variant is expected to disrupt SCN1A protein function. This variant disrupts the p.Phe412 amino acid residue in SCN1A. Other variant(s) that disrupt this residue have been determined to be pathogenic (Invitae). This suggests that this residue is clinically significant, and that variants that disrupt this residue are likely to be disease-causing. In summary, the currently available evidence indicates that the variant is pathogenic, but additional data are needed to prove that conclusively. Therefore, this variant has been classified as Likely Pathogenic.